The following is an entry in ClinVar:

ClinVar aggregate classification (germline): Uncertain significance. Review status: criteria provided, multiple submitters, no conflicts (2 of 4 stars). 2 submissions from 2 submitters: Uncertain significance (2). Last evaluated 2025-08-20.

Conditions:
Inborn genetic diseases. Identifiers: MedGen C0950123, MeSH D030342.

Allele frequency attached by ClinVar (database versions not stated): gnomAD exomes below 0.00001 and 0.00001; gnomAD 0.00001.

Submissions (2):

Ambry Genetics
Classification: Uncertain significance for Inborn genetic diseases. Last evaluated: 2025-08-20. Review status: criteria provided, single submitter. Criteria: Ambry Variant Classification Scheme 2023. Collection method: clinical testing. Allele origin: germline.

Labcorp Genetics (formerly Invitae), Labcorp
Classification: Uncertain significance. Last evaluated: 2025-05-12. Review status: criteria provided, single submitter. Criteria: Invitae Variant Classification Sherloc (09022015). Collection method: clinical testing. Allele origin: germline.
Comment: This sequence change replaces arginine, which is basic and polar, with cysteine, which is neutral and slightly polar, at codon 198 of the OPA1 protein (p.Arg198Cys). This variant is not present in population databases (gnomAD no frequency). This variant has not been reported in the literature in individuals affected with OPA1-related conditions. ClinVar contains an entry for this variant (Variation ID: 1401563). Invitae Evidence Modeling of protein sequence and biophysical properties (such as structural, functional, and spatial information, amino acid conservation, physicochemical variation, residue mobility, and thermodynamic stability) indicates that this missense variant is not expected to disrupt OPA1 protein function with a negative predictive value of 80%. In summary, the available evidence is currently insufficient to determine the role of this variant in disease. Therefore, it has been classified as a Variant of Uncertain Significance.

NM_130837.3(OPA1):c.646C>T (p.Arg216Cys)

Genes: OPA1 (OPA1 mitochondrial dynamin like GTPase; plus strand), OPA1-AS1 (OPA1 antisense RNA 1; minus strand). Cytogenetic location: 3q29.
Variant type: single nucleotide variant.
Coding change: c.646C>T on transcript NM_130837.3 (MANE Select); coding-DNA position 646, C replaced by T.
Protein change: p.Arg216Cys; replaces arginine 216 with cysteine.
Molecular consequence: missense variant. On other transcripts: non-coding transcript variant (1).
Genome position (GRCh38, 1-based): chr3:193,618,904, C>T. VCF-style: chr3-193618904-C-T. GRCh37 (hg19) VCF-style: chr3-193336693-C-T.
Other names: c.112C>T, p.Arg38Cys (NM_001354663.2); c.220C>T, p.Arg74Cys (NM_001354664.2); c.592C>T, p.Arg198Cys (NM_015560.3, NM_130836.3); c.484C>T, p.Arg162Cys (NM_130831.3, NM_130833.3); c.538C>T, p.Arg180Cys (NM_130832.3, NM_130835.3); c.646C>T, p.Arg216Cys (NM_130834.3); c.592C>T (NM_015560.2); short protein forms R216C, R180C, R74C, R198C, R38C, R162C.
Identifiers: ClinVar variation 1401563 (VCV001401563.7), dbSNP rs1489880934, ClinGen allele CA355788253.